The following is an entry in ClinVar:

ClinVar aggregate classification (germline): Conflicting classifications of pathogenicity. Review status: criteria provided, conflicting classifications (1 of 4 stars). 2 submissions from 2 submitters: Uncertain significance (1); Likely benign (1). Last evaluated 2019-11-25.

Conditions:
Long QT syndrome (LQTS). Identifiers: MedGen C0023976, MeSH D008133, MONDO:0002442. Disease mechanism: loss of function. Inheritance: Various modes of inheritance.

Allele frequency attached by ClinVar (database versions not stated): gnomAD exomes below 0.00001 and 0.00001; gnomAD 0.00001; TOPMed 0.00001.
gnomAD v4.1: 7 of 1,613,970 alleles (0.00043%); highest among the groups gnomAD compares: Middle Eastern, 0.016%; no homozygotes.

Submissions (2):

Blueprint Genetics
Classification: Likely benign. Last evaluated: 2019-11-25. Review status: criteria provided, single submitter. Criteria: ACMG Guidelines, 2015. Collection method: clinical testing. Allele origin: germline.

Labcorp Genetics (formerly Invitae), Labcorp
Classification: Uncertain significance for Long QT syndrome. Last evaluated: 2017-10-24. Review status: criteria provided, single submitter. Criteria: Invitae Variant Classification Sherloc (09022015). Collection method: clinical testing. Allele origin: germline.
Comment: This sequence change replaces valine with isoleucine at codon 3847 of the ANK2 protein (p.Val3847Ile). The valine residue is moderately conserved and there is a small physicochemical difference between valine and isoleucine. This variant is not present in population databases (ExAC no frequency). This variant has not been reported in the literature in individuals with ANK2-related disease. Algorithms developed to predict the effect of missense changes on protein structure and function do not agree on the potential impact of this missense change (SIFT: "Tolerated"; PolyPhen-2: "Possibly Damaging"; Align-GVGD: "Class C0"). In summary, the available evidence is currently insufficient to determine the role of this variant in disease. Therefore, it has been classified as a Variant of Uncertain Significance.

NM_001148.6(ANK2):c.11539G>A (p.Val3847Ile)

Gene: ANK2 (ankyrin 2; plus strand). Cytogenetic location: 4q26.
Variant type: single nucleotide variant.
Coding change: c.11539G>A on transcript NM_001148.6 (MANE Select); coding-DNA position 11539, G replaced by A.
Protein change: p.Val3847Ile; replaces valine 3847 with isoleucine.
Molecular consequence: missense variant.
Genome position (GRCh38, 1-based): chr4:113,369,734, G>A. VCF-style: chr4-113369734-G-A. GRCh37 (hg19) VCF-style: chr4-114290890-G-A.
Other names: c.5257G>A, p.Val1753Ile (NM_001127493.3); c.5296G>A, p.Val1766Ile (NM_001354225.2); c.5185G>A, p.Val1729Ile (NM_001354228.2, NM_001354258.2); c.5263G>A, p.Val1755Ile (NM_001354230.2); c.5326G>A, p.Val1776Ile (NM_001354231.2, NM_001354242.2); c.5320G>A, p.Val1774Ile (NM_001354232.2); c.5281G>A, p.Val1761Ile (NM_001354235.2, NM_001354246.2, NM_001354265.2); c.5182G>A, p.Val1728Ile (NM_001354236.2); and 35 more; short protein forms V1753I, V3847I, V1662I, V1708I, V1740I, V1762I, V1777I, V1788I.
Identifiers: ClinVar variation 457018 (VCV000457018.6), dbSNP rs1448123780, ClinGen allele CA357942932.